The following is an entry in ClinVar:

ClinVar aggregate classification (germline): Uncertain significance. Review status: criteria provided, multiple submitters, no conflicts (2 of 4 stars). 2 submissions from 2 submitters: Uncertain significance (2). Last evaluated 2025-07-30.

gnomAD v4.1: 106 of 1,591,248 alleles (0.0067%); highest among the groups gnomAD compares: Middle Eastern, 0.051%; no homozygotes.

Submissions (2):

Labcorp Genetics (formerly Invitae), Labcorp
Classification: Uncertain significance. Last evaluated: 2025-07-30. Review status: criteria provided, single submitter. Criteria: Invitae Variant Classification Sherloc (09022015). Collection method: clinical testing. Allele origin: germline.
Comment: This sequence change replaces valine, which is neutral and non-polar, with methionine, which is neutral and non-polar, at codon 133 of the FSCN2 protein (p.Val133Met). The frequency data for this variant in the population databases is considered unreliable, as metrics indicate poor data quality at this position in the gnomAD database. This variant has not been reported in the literature in individuals affected with FSCN2-related conditions. ClinVar contains an entry for this variant (Variation ID: 1055253). An algorithm developed to predict the effect of missense changes on protein structure and function (PolyPhen-2) suggests that this variant is likely to be disruptive. In summary, the available evidence is currently insufficient to determine the role of this variant in disease. Therefore, it has been classified as a Variant of Uncertain Significance.

Ambry Genetics
Classification: Uncertain significance. Last evaluated: 2024-01-29. Review status: criteria provided, single submitter. Criteria: Ambry Variant Classification Scheme 2023. Collection method: clinical testing. Allele origin: germline.

NM_012418.4(FSCN2):c.397G>A (p.Val133Met)

Gene: FSCN2 (fascin actin-bundling protein 2, retinal; plus strand). Cytogenetic location: 17q25.3.
Variant type: single nucleotide variant.
Coding change: c.397G>A on transcript NM_012418.4 (MANE Select); coding-DNA position 397, G replaced by A.
Protein change: p.Val133Met; replaces valine 133 with methionine.
Molecular consequence: missense variant.
Genome position (GRCh38, 1-based): chr17:81,528,928, G>A. VCF-style: chr17-81528928-G-A. GRCh37 (hg19) VCF-style: chr17-79495954-G-A.
Other names: c.397G>A, p.Val133Met (NM_001077182.3); c.397G>A (NM_001077182.2); short protein forms V133M.
Identifiers: ClinVar variation 1055253 (VCV001055253.8), dbSNP rs373996403, ClinGen allele CA8836668.
Genomic context (GRCh38, chr17:81,528,928, plus strand): 5'-GGCACCGAGGACCAGCTGTCCTGCTTCGCCACAGCCGTTTCCCCGGCCGAGCTGTGGACC[G>A]TGCACCTGGCCATCCACCCGCAGGCCCACCTGCTGAGCGTGAGCCGGCGGCGCTACGTGC-3'
Protein context (NP_036550.1, residues 123-143): TAVSPAELWT[Val133Met]HLAIHPQAHL